The following is an entry in ClinVar:

ClinVar aggregate classification (germline): Uncertain significance (1 of 4 stars; one submission).

Conditions:
Cardiovascular phenotype. Identifiers: MedGen CN230736.

Submission:

Ambry Genetics
Classification: Uncertain significance for Cardiovascular phenotype. Last evaluated: 2026-05-27. Review status: criteria provided, single submitter. Criteria: Ambry Variant Classification Scheme 2023. Collection method: clinical testing. Allele origin: germline.
Comment: The p.A270S variant (also known as c.808G>T), located in coding exon 5 of the CBL gene, results from a G to T substitution at nucleotide position 808. The alanine at codon 270 is replaced by serine, an amino acid with similar properties. This amino acid position is conserved. In addition, the in silico prediction for this alteration is inconclusive. Based on the available evidence, the clinical significance of this variant remains unclear.

NM_005188.4(CBL):c.808G>T (p.Ala270Ser)

Gene: CBL (Cbl proto-oncogene; plus strand). Cytogenetic location: 11q23.3.
Variant type: single nucleotide variant.
Coding change: c.808G>T on transcript NM_005188.4 (MANE Select); coding-DNA position 808, G replaced by T.
Protein change: p.Ala270Ser; replaces alanine 270 with serine.
Molecular consequence: missense variant.
Genome position (GRCh38, 1-based): chr11:119,274,892, G>T. VCF-style: chr11-119274892-G-T. GRCh37 (hg19) VCF-style: chr11-119145602-G-T.
Other names: short protein forms A270S.
Identifiers: ClinVar variation 4868271 (VCV004868271.1).